The following is an entry in ClinVar:

NM_000264.5(PTCH1):c.48C>T (p.Gly16=)

Genes: PTCH1 (patched 1; minus strand), LOC130002133 (ATAC-STARR-seq lymphoblastoid silent region 20071; plus strand). Cytogenetic location: 9q22.32.
Variant type: single nucleotide variant.
Coding change: c.48C>T on transcript NM_000264.5 (MANE Select); coding-DNA position 48, C replaced by T.
Protein change: p.Gly16=; no amino-acid change (glycine 16 retained).
Molecular consequence: synonymous variant. On other transcripts: non-coding transcript variant (1), intron variant (3).
Genome position (GRCh38, 1-based): chr9:95,508,314, G>A on the plus strand (C>T on the coding strand, the complement: PTCH1 is on the minus strand). VCF-style: chr9-95508314-G-A. GRCh37 (hg19) VCF-style: chr9-98270596-G-A.
Other names: c.48C>T, p.Gly16= (NM_001354918.2); c.199-1715C>T (NM_001083603.3); c.4-1715C>T (NM_001083602.3, NM_001354919.2).
Identifiers: ClinVar variation 135902 (VCV000135902.23), dbSNP rs587780706, ClinGen allele CA332579.
Genomic context (GRCh38, chr9:95,508,314, plus strand): 5'-CGTCCGTCTGCGCCTCCCGCCTCCAGCCGGCCGTCCCGGGGCACCGATACAGCCGCTGCC[G>A]CCGCCGCCGCGGTCCTGGGGCTCGGCGGCGTTACCAGCCGAGGCCATGTTGCCGCCGCCG-3'
Protein context (NP_000255.2, residues 6-26): NAAEPQDRGG[Gly16=]GSGCIGAPGR

ClinVar aggregate classification (germline): Likely benign. Review status: criteria provided, multiple submitters, no conflicts (2 of 4 stars). 4 submissions from 4 submitters: Likely benign (4). Last evaluated 2026-01-05.

Conditions:
Hereditary cancer-predisposing syndrome. Also called: Tumor predisposition; Hereditary neoplastic syndrome; Hereditary Cancer Syndrome; Neoplastic Syndromes, Hereditary. Identifiers: Orphanet 140162, MedGen C0027672, MeSH D009386, MONDO:0015356.
Gorlin syndrome. Also called: Basal cell nevus syndrome; Nevoid Basal Cell Carcinoma Syndrome. Identifiers: Orphanet 377, MedGen C0004779, MONDO:0007187.

Allele frequency attached by ClinVar (database versions not stated): gnomAD 0.00001; TOPMed 0.00001.
gnomAD v4.1: 30 of 1,388,540 alleles (0.0022%); highest among the groups gnomAD compares: Non-Finnish European, 0.0023%; no homozygotes.

Submissions (4):

Labcorp Genetics (formerly Invitae), Labcorp
Classification: Likely benign for Gorlin syndrome. Last evaluated: 2026-01-05. Review status: criteria provided, single submitter. Criteria: Invitae Variant Classification Sherloc (09022015). Collection method: clinical testing. Allele origin: germline.

CeGaT Center for Human Genetics Tuebingen
Classification: Likely benign. Last evaluated: 2025-06-01. Review status: criteria provided, single submitter. Criteria: CeGaT Center For Human Genetics Tuebingen Variant Classification Criteria Version 2. Collection method: clinical testing. Allele origin: germline. Affected: yes. Observed: 1 variant allele.
Comment: PTCH1: BP4, BP7

Ambry Genetics
Classification: Likely benign for Hereditary cancer-predisposing syndrome. Last evaluated: 2018-11-14. Review status: criteria provided, single submitter. Criteria: Ambry Variant Classification Scheme 2023. Collection method: clinical testing. Allele origin: germline.

GeneDx
Classification: Likely benign. Last evaluated: 2017-02-20. Review status: criteria provided, single submitter. Criteria: GeneDx Variant Classification (06012015). Collection method: clinical testing. Allele origin: germline. Affected: yes.
Comment: This variant is considered likely benign or benign based on one or more of the following criteria: it is a conservative change, it occurs at a poorly conserved position in the protein, it is predicted to be benign by multiple in silico algorithms, and/or has population frequency not consistent with disease.